The following is an entry in ClinVar:

NM_005228.5(EGFR):c.2114G>A (p.Arg705Lys)

Gene: EGFR (epidermal growth factor receptor; plus strand). Cytogenetic location: 7p11.2.
Variant type: single nucleotide variant.
Coding change: c.2114G>A on transcript NM_005228.5 (MANE Select); coding-DNA position 2114, G replaced by A.
Protein change: p.Arg705Lys; replaces arginine 705 with lysine.
Molecular consequence: missense variant.
Genome position (GRCh38, 1-based): chr7:55,173,973, G>A. VCF-style: chr7-55173973-G-A. GRCh37 (hg19) VCF-style: chr7-55241666-G-A.
Other names: c.1979G>A, p.Arg660Lys (NM_001346897.2, NM_001346899.2); c.2114G>A, p.Arg705Lys (NM_001346898.2); c.1955G>A, p.Arg652Lys (NM_001346900.2); c.1313G>A, p.Arg438Lys (NM_001346941.2); short protein forms R660K, R705K, R438K, R652K.
Identifiers: ClinVar variation 3710004 (VCV003710004.3).

ClinVar aggregate classification (germline): Uncertain significance. Review status: criteria provided, multiple submitters, no conflicts (2 of 4 stars). 2 submissions from 2 submitters: Uncertain significance (2). Last evaluated 2025-10-08.

Conditions:
EGFR-related lung cancer (EGFR). Identifiers: MedGen CN130014.
Hereditary cancer-predisposing syndrome. Also called: Hereditary neoplastic syndrome; Neoplastic Syndromes, Hereditary; Hereditary Cancer Syndrome; Tumor predisposition. Identifiers: Orphanet 140162, MedGen C0027672, MeSH D009386, MONDO:0015356.

Submissions (2):

Ambry Genetics
Classification: Uncertain significance for Hereditary cancer-predisposing syndrome. Last evaluated: 2025-10-08. Review status: criteria provided, single submitter. Criteria: Ambry Variant Classification Scheme 2023. Collection method: clinical testing. Allele origin: germline.
Comment: The p.R705K variant (also known as c.2114G>A), located in coding exon 18 of the EGFR gene, results from a G to A substitution at nucleotide position 2114. The arginine at codon 705 is replaced by lysine, an amino acid with highly similar properties. This amino acid position is highly conserved in available vertebrate species. In addition, the in silico prediction for this alteration is inconclusive. Based on the available evidence, the clinical significance of this variant remains unclear.

Labcorp Genetics (formerly Invitae), Labcorp
Classification: Uncertain significance for EGFR-related lung cancer. Last evaluated: 2025-09-07. Review status: criteria provided, single submitter. Criteria: Invitae Variant Classification Sherloc (09022015). Collection method: clinical testing. Allele origin: germline.
Comment: This sequence change replaces arginine, which is basic and polar, with lysine, which is basic and polar, at codon 705 of the EGFR protein (p.Arg705Lys). This variant is not present in population databases (gnomAD no frequency). This variant has not been reported in the literature in individuals affected with EGFR-related conditions. ClinVar contains an entry for this variant (Variation ID: 3710004). Invitae Evidence Modeling of protein sequence and biophysical properties (such as structural, functional, and spatial information, amino acid conservation, physicochemical variation, residue mobility, and thermodynamic stability) has been performed for this missense variant. However, the output from this modeling did not meet the statistical confidence thresholds required to predict the impact of this variant on EGFR protein function. In summary, the available evidence is currently insufficient to determine the role of this variant in disease. Therefore, it has been classified as a Variant of Uncertain Significance.